The following is an entry in ClinVar:

NM_003907.3(EIF2B5):c.380T>C (p.Leu127Pro)

Gene: EIF2B5 (eukaryotic translation initiation factor 2B subunit epsilon; plus strand). Cytogenetic location: 3q27.1.
Variant type: single nucleotide variant.
Coding change: c.380T>C on transcript NM_003907.3 (MANE Select); coding-DNA position 380, T replaced by C.
Protein change: p.Leu127Pro; replaces leucine 127 with proline.
Molecular consequence: missense variant.
Genome position (GRCh38, 1-based): chr3:184,137,679, T>C. VCF-style: chr3-184137679-T-C. GRCh37 (hg19) VCF-style: chr3-183855467-T-C.
Other names: short protein forms L127P.
Identifiers: ClinVar variation 381578 (VCV000381578.4), dbSNP rs1057521084, ClinGen allele CA16604482.

ClinVar aggregate classification (germline): Likely pathogenic. Review status: criteria provided, multiple submitters, no conflicts (2 of 4 stars). 2 submissions from 2 submitters: Likely pathogenic (2). Last evaluated 2024-01-11.

Conditions:
EIF2B5-related disorders.

Allele frequency attached by ClinVar (database versions not stated): gnomAD exomes below 0.00001.
gnomAD v4.1: 8 of 1,614,198 alleles (0.0005%); highest among the groups gnomAD compares: Non-Finnish European, 0.00059%; no homozygotes.

Submissions (2):

GeneDx
Classification: Likely pathogenic. Last evaluated: 2024-01-11. Review status: criteria provided, single submitter. Criteria: GeneDx Variant Classification Process June 2021. Collection method: clinical testing. Allele origin: germline. Affected: yes.
Comment: Identified in multiple patients with leukoencephalopathy with vanishing white matter in published literature (PMID: 28334938, 16807905); In silico analysis supports that this missense variant does not alter protein structure/function; Not observed at significant frequency in large population cohorts (gnomAD); This variant is associated with the following publications: (PMID: 16807905, 28334938)

Blueprint Genetics
Classification: Likely pathogenic for EIF2B5-related disorders. Last evaluated: 2023-11-15. Review status: criteria provided, single submitter. Criteria: ACMG Guidelines, 2015. Collection method: clinical testing. Allele origin: germline. Affected: yes. Observed: 1 variant allele.